The following is an entry in ClinVar:

NM_004612.4(TGFBR1):c.1058dup (p.Leu354fs)

Gene: TGFBR1 (transforming growth factor beta receptor 1; plus strand). Cytogenetic location: 9q22.33.
Variant type: Duplication.
Coding change: c.1058dup on transcript NM_004612.4 (MANE Select); coding-DNA position 1058, one base duplicated (G; older notation c.1058dupG).
Protein change: p.Leu354fs; shifts the reading frame from leucine 354.
Molecular consequence: frameshift variant. On other transcripts: non-coding transcript variant (4).
Genome position (GRCh38, 1-based): chr9:99,144,816, G duplicated; the last of 2 consecutive G bases (chr9:99,144,815-99,144,816); duplicating either gives the same sequence. VCF-style (leftmost placement, unchanged base first): chr9-99144814-A-AG. GRCh37 (hg19) VCF-style: chr9-101907096-A-AG.
Other names: c.827dup, p.Leu277fs (NM_001130916.3, NM_001407435.1); c.1070dup, p.Leu358fs (NM_001306210.2); c.902dup, p.Leu302fs (NM_001407416.1); c.890dup, p.Leu298fs (NM_001407417.1); c.863dup, p.Leu289fs (NM_001407418.1, NM_001407419.1, NM_001407420.1 and 1 more transcripts); c.851dup, p.Leu285fs (NM_001407430.1, NM_001407432.1, NM_001407433.1 and 8 more transcripts); c.812dup, p.Leu272fs (NM_001407436.1); c.350dup, p.Leu118fs (NM_001407437.1); and 1 more; short protein forms L118fs, L195fs, L272fs, L277fs, L285fs, L289fs, L298fs, L302fs.
Identifiers: ClinVar variation 4530633 (VCV004530633.1).

ClinVar aggregate classification (germline): Likely pathogenic (1 of 4 stars; one submission).

Conditions:
Loeys-Dietz syndrome 1 (LDS1). Also called: TGFBR1-Related Loeys-Dietz Syndrome; FURLONG SYNDROME; AORTIC ANEURYSM, FAMILIAL THORACIC 5. Identifiers: Orphanet 60030, MedGen C4551955, MONDO:0012212, OMIM 609192.

Submission:

KardioGenetik, Herz- und Diabeteszentrum NRW
Classification: Likely pathogenic for Loeys-Dietz syndrome 1. Last evaluated: 2025-09-25. Review status: criteria provided, single submitter. Criteria: ACMG Guidelines, 2015. Collection method: clinical testing. Allele origin: unknown. Observed: 1 variant allele.
Comment: The duplication of the nucleotide guanine at position 1058 of the cDNA causes a frameshift, leading to a premature stop codon. However, it remains unclear whether haploinsufficiency truly represents the underlying pathogenic mechanism in TGFBR1-related aortic aneurysm disorders. However, several loss of function-variants are reported in association with Loeys-Dietz-Syndrome or Thoracic aortic aneurysm and dissection in the Human Gene Mutation Database (HGMD). Supporting the pathogenicity of the variant is its absence from population cohorts in the gnomAD database. Moreover, the variant is entirely unreported in both public databases and the scientific literature.